The following is an entry in ClinVar:

ClinVar aggregate classification (germline): Uncertain significance. Review status: criteria provided, multiple submitters, no conflicts (2 of 4 stars). 3 submissions from 3 submitters: Uncertain significance (2). 1 of the submissions does not count toward it. Last evaluated 2024-12-02.

Conditions:
Retinitis pigmentosa 25 (RP25). Identifiers: Orphanet 791, MedGen C1864446, MONDO:0011272, OMIM 602772.

Allele frequency attached by ClinVar (database versions not stated): TOPMed below 0.00001.

Submissions (3):

Labcorp Genetics (formerly Invitae), Labcorp
Classification: Uncertain significance. Last evaluated: 2024-12-02. Review status: criteria provided, single submitter. Criteria: Invitae Variant Classification Sherloc (09022015). Collection method: clinical testing. Allele origin: germline.
Comment: This sequence change replaces proline, which is neutral and non-polar, with alanine, which is neutral and non-polar, at codon 2028 of the EYS protein (p.Pro2028Ala). This variant is not present in population databases (gnomAD no frequency). This variant has not been reported in the literature in individuals affected with EYS-related conditions. ClinVar contains an entry for this variant (Variation ID: 1039975). Invitae Evidence Modeling of protein sequence and biophysical properties (such as structural, functional, and spatial information, amino acid conservation, physicochemical variation, residue mobility, and thermodynamic stability) indicates that this missense variant is not expected to disrupt EYS protein function with a negative predictive value of 80%. In summary, the available evidence is currently insufficient to determine the role of this variant in disease. Therefore, it has been classified as a Variant of Uncertain Significance.

Blueprint Genetics
Classification: Uncertain significance. Last evaluated: 2021-08-13. Review status: criteria provided, single submitter. Criteria: ACMG Guidelines, 2015. Collection method: clinical testing. Allele origin: germline.

Natera, Inc.
Classification: Uncertain significance for Retinitis pigmentosa type 25. Last evaluated: 2020-05-28. Review status: no assertion criteria provided. Collection method: clinical testing. Allele origin: germline. Not counted in ClinVar's aggregate classification.

NM_001142800.2(EYS):c.6082C>G (p.Pro2028Ala)

Gene: EYS (EGF-like photoreceptor maintenance factor; minus strand). Cytogenetic location: 6q12.
Variant type: single nucleotide variant.
Coding change: c.6082C>G on transcript NM_001142800.2 (MANE Select); coding-DNA position 6082, C replaced by G.
Protein change: p.Pro2028Ala; replaces proline 2028 with alanine.
Molecular consequence: missense variant.
Genome position (GRCh38, 1-based): chr6:64,307,079, G>C on the plus strand (C>G on the coding strand, the complement: EYS is on the minus strand). VCF-style: chr6-64307079-G-C. GRCh37 (hg19) VCF-style: chr6-65016972-G-C.
Other names: c.6082C>G, p.Pro2028Ala (NM_001292009.2); short protein forms P2028A.
Identifiers: ClinVar variation 1039975 (VCV001039975.10), dbSNP rs1769479599, ClinGen allele CA364391913.
Genomic context (GRCh38, chr6:64,307,079, plus strand): 5'-ATCTCCAGTTATTTATTTCTATAACTTCTATGCAGCCAGTAAAATTCTTGACTGGTACAG[G>C]CATCTGAGAGAGAGAGAGAGAGAGAGAAGTAGAGATAATTTAAATGATTTTCTTGAATAT-3'
Protein context (NP_001136272.1, residues 2018-2038): FPDLHGKIQM[Pro2028Ala]VPVKNFTGCI